The following is an entry in ClinVar:

NM_003640.5(ELP1):c.3573-1G>A

Gene: ELP1 (elongator acetyltransferase complex subunit 1; minus strand). Cytogenetic location: 9q31.3.
Variant type: single nucleotide variant.
Coding change: c.3573-1G>A on transcript NM_003640.5 (MANE Select); the canonical splice acceptor site of the intron before coding-DNA position 3573, G replaced by A.
Molecular consequence: splice acceptor variant.
Genome position (GRCh38, 1-based): chr9:108,878,751, C>T on the plus strand (G>A on the coding strand, the complement: ELP1 is on the minus strand). VCF-style: chr9-108878751-C-T. GRCh37 (hg19) VCF-style: chr9-111641031-C-T.
Other names: c.3573-1G>A (NM_003640.4); c.3231-1G>A (NM_001318360.2); c.2526-1G>A (NM_001330749.2).
Identifiers: ClinVar variation 1476536 (VCV001476536.8), dbSNP rs2118936334, ClinGen allele CA374411491.

ClinVar aggregate classification (germline): Likely pathogenic. Review status: criteria provided, multiple submitters, no conflicts (2 of 4 stars). 2 submissions from 2 submitters: Likely pathogenic (2). Last evaluated 2025-05-05.

Conditions:
Familial dysautonomia. Also called: FD; HSAN III. Identifiers: Orphanet 1764, MedGen C0013364, MONDO:0009131, OMIM 223900. Disease mechanism: loss of function.

Submissions (2):

Natera, Inc.
Classification: Likely pathogenic for Familial dysautonomia. Last evaluated: 2025-05-05. Review status: criteria provided, single submitter. Criteria: Natera Variant Classification Schema (03/2026). Collection method: clinical testing. Allele origin: germline.
Comment: The c.3573-1G>A variant in ELP1 is a canonical splice acceptor site variant predicted to affect pre-mRNA splicing, which may result in an abnormal transcript and altered protein product. This variant is expected to result in nonsense mediated decay, truncation, or a dysfunctional protein product. This variant is rare in the general population with a frequency below the threshold expected for the associated phenotype(s). Given the available evidence, this variant is classified as Likely Pathogenic.

Labcorp Genetics (formerly Invitae), Labcorp
Classification: Likely pathogenic. Last evaluated: 2021-12-01. Review status: criteria provided, single submitter. Criteria: Invitae Variant Classification Sherloc (09022015). Collection method: clinical testing. Allele origin: germline.
Comment: This sequence change affects an acceptor splice site in intron 33 of the ELP1 gene. It is expected to disrupt RNA splicing. Variants that disrupt the donor or acceptor splice site typically lead to a loss of protein function (PMID: 16199547), and loss-of-function variants in ELP1 are known to be pathogenic (PMID: 18303054, 24173031). This variant is not present in population databases (gnomAD no frequency). This variant has not been reported in the literature in individuals affected with ELP1-related conditions. Algorithms developed to predict the effect of sequence changes on RNA splicing suggest that this variant may disrupt the consensus splice site. In summary, the currently available evidence indicates that the variant is pathogenic, but additional data are needed to prove that conclusively. Therefore, this variant has been classified as Likely Pathogenic.

Literature cited by the submitters: PubMed 16199547 (cited by Labcorp Genetics (formerly Invitae), Labcorp); PubMed 18303054 (cited by Labcorp Genetics (formerly Invitae), Labcorp); PubMed 24173031 (cited by Labcorp Genetics (formerly Invitae), Labcorp).